The following is an entry in ClinVar:

ClinVar aggregate classification (germline): Uncertain significance (1 of 4 stars; one submission).

Conditions:
Autosomal recessive severe congenital neutropenia due to G6PC3 deficiency. Also called: G6PC3 Deficiency; NEUTROPENIA, SEVERE CONGENITAL, 4, AUTOSOMAL RECESSIVE. Identifiers: Orphanet 331176, MedGen C2751630, MONDO:0012930, OMIM 612541.

Allele frequency attached by ClinVar (database versions not stated): TOPMed below 0.00001; gnomAD 0.00001.

Submission:

Labcorp Genetics (formerly Invitae), Labcorp
Classification: Uncertain significance for Autosomal recessive severe congenital neutropenia due to G6PC3 deficiency. Last evaluated: 2022-02-05. Review status: criteria provided, single submitter. Criteria: Invitae Variant Classification Sherloc (09022015). Collection method: clinical testing. Allele origin: germline.
Comment: In summary, the available evidence is currently insufficient to determine the role of this variant in disease. Therefore, it has been classified as a Variant of Uncertain Significance. Algorithms developed to predict the effect of missense changes on protein structure and function (SIFT, PolyPhen-2, Align-GVGD) all suggest that this variant is likely to be tolerated. This variant has not been reported in the literature in individuals affected with G6PC3-related conditions. This variant is not present in population databases (gnomAD no frequency). This sequence change replaces proline, which is neutral and non-polar, with leucine, which is neutral and non-polar, at codon 94 of the G6PC3 protein (p.Pro94Leu).

NM_138387.4(G6PC3):c.281C>T (p.Pro94Leu)

Gene: G6PC3 (glucose-6-phosphatase catalytic subunit 3; plus strand). Cytogenetic location: 17q21.31.
Variant type: single nucleotide variant.
Coding change: c.281C>T on transcript NM_138387.4 (MANE Select); coding-DNA position 281, C replaced by T.
Protein change: p.Pro94Leu; replaces proline 94 with leucine.
Molecular consequence: missense variant. On other transcripts: 5 prime UTR variant (4).
Genome position (GRCh38, 1-based): chr17:44,074,222, C>T. VCF-style: chr17-44074222-C-T. GRCh37 (hg19) VCF-style: chr17-42151590-C-T.
Other names: c.281C>T, p.Pro94Leu (NM_001319945.2); c.-65C>T (NM_001384165.1, NM_001384166.1, NM_001384167.1 and 1 more transcripts); short protein forms P94L.
Identifiers: ClinVar variation 1356993 (VCV001356993.6), dbSNP rs1356446581, ClinGen allele CA399725813.